The following is an entry in ClinVar:

NM_013275.6(ANKRD11):c.2692C>T (p.Arg898Ter)

Gene: ANKRD11 (ankyrin repeat domain 11; minus strand). Cytogenetic location: 16q24.3.
Variant type: single nucleotide variant.
Coding change: c.2692C>T on transcript NM_013275.6 (MANE Select); coding-DNA position 2692, C replaced by T.
Protein change: p.Arg898Ter; replaces arginine 898 with a stop codon.
Molecular consequence: nonsense.
Genome position (GRCh38, 1-based): chr16:89,283,850, G>A on the plus strand (C>T on the coding strand, the complement: ANKRD11 is on the minus strand). VCF-style: chr16-89283850-G-A. GRCh37 (hg19) VCF-style: chr16-89350258-G-A.
Other names: NP_037407.4:p.(Arg898Ter); c.2692C>T, p.Arg898Ter (NM_001256182.2, NM_001256183.2); c.2692C>T (NM_013275.4); short protein forms R898*.
Identifiers: ClinVar variation 620276 (VCV000620276.14), dbSNP rs780011005, ClinGen allele CA8242534.
Genomic context (GRCh38, chr16:89,283,850, plus strand): 5'-CAGAGTTTTTATCCAAATAGTCCCTGTCCTTCTTTCGGAAGAAGGGCTCTCTGTAGTCTC[G>A]CTTCTCCCGGGCCCGGCTGTCCCGCCTCCTCTCCTTGCTGTCCTCCTTCACCGTCTCCAA-3'

ClinVar aggregate classification (germline): Pathogenic. Review status: criteria provided, multiple submitters, no conflicts (2 of 4 stars). 9 submissions from 9 submitters: Pathogenic (8). 1 of the submissions does not count toward it. Last evaluated 2026-07-05.

Conditions:
ANKRD11-related disorder. Also called: ANKRD11-related condition.
Global developmental delay (DD). Also called: Cognitive delay. Identifiers: MedGen C0557874, HP:0001263. Disease mechanism: loss of function.
KBG syndrome (KBGS). Also called: ANKRD11-Related KBG Syndrome. Identifiers: Orphanet 2332, MedGen C0220687, MONDO:0007846, OMIM 148050.

Allele frequency attached by ClinVar (database versions not stated): ExAC 0.00001.

Submissions (9):

Umrani?ye Training and Research Hospital
Classification: Pathogenic for KBG syndrome. Last evaluated: 2026-07-05. Review status: criteria provided, single submitter. Criteria: ACMG Guidelines, 2015. Collection method: clinical testing. Allele origin: germline. Inheritance: Autosomal dominant inheritance. Affected: yes.
Comment: PVS1, PM2

Dasa
Classification: Pathogenic. Last evaluated: 2025-11-30. Review status: criteria provided, single submitter. Criteria: DASA Assertion Criteria. Collection method: clinical testing. Allele origin: germline.
Comment: NM_013275.6(ANKRD11):c.2692C>T (p.Arg898*) introduces a premature termination codon predicted to result in loss of normal protein function. Loss-of-function is an established mechanism of disease for this gene. De novo occurrence has been reported in an individual with related phenotype. This variant has been reported in individuals with related phenotype (PMID: 33955014). The variant is present at low frequency in population datasets. Based on the available data, this variant is classified as pathogenic.

3billion
Classification: Pathogenic for KBG syndrome. Last evaluated: 2023-12-08. Review status: criteria provided, single submitter. Criteria: ACMG Guidelines, 2015. Collection method: clinical testing. Allele origin: germline. Affected: yes.
Comment: The variant is not observed in the gnomAD v2.1.1 dataset. Predicted Consequence/Location: Stop-gained (nonsense): predicted to result in a loss or disruption of normal protein function through nonsense-mediated decay (NMD) or protein truncation. Multiple pathogenic variants are reported downstream of the variant. The variant has been previously reported as de novo in a similarly affected individual (PMID: 33955014). The variant has been reported at least twice as pathogenic with clinical assertions and evidence for the classification (ClinVar ID: VCV000620276 /PMID: 33955014). Therefore, this variant is classified as Pathogenic according to the recommendation of ACMG/AMP guideline.

Blueprint Genetics
Classification: Pathogenic for ANKRD11-related disorders. Last evaluated: 2023-08-10. Review status: criteria provided, single submitter. Criteria: ACMG Guidelines, 2015. Collection method: clinical testing. Allele origin: germline. Affected: yes. Observed: 1 variant allele.

Greenwood Genetic Center Diagnostic Laboratories, Greenwood Genetic Center
Classification: Pathogenic for KBG syndrome. Last evaluated: 2023-02-02. Review status: criteria provided, single submitter. Criteria: ACMG Guidelines, 2015. Collection method: clinical testing. Allele origin: germline. Affected: yes.
Comment: PVS1, PS2, PS4_Supporting, PM2

GeneDx
Classification: Pathogenic. Last evaluated: 2023-01-11. Review status: criteria provided, single submitter. Criteria: GeneDx Variant Classification Process June 2021. Collection method: clinical testing. Allele origin: germline. Affected: yes.
Comment: Nonsense variant predicted to result in protein truncation or nonsense mediated decay in a gene for which loss-of-function is a known mechanism of disease; Not observed at significant frequency in large population cohorts (gnomAD); This variant is associated with the following publications: (PMID: 34803598, 33955014)

Institute for Human Genetics, University Hospital Essen
Classification: Pathogenic for Global developmental delay. Last evaluated: 2021-01-22. Review status: criteria provided, single submitter. Criteria: ACMG Guidelines, 2015. Collection method: research. Allele origin: de novo. Affected: yes.

Labcorp Genetics (formerly Invitae), Labcorp
Classification: Pathogenic for KBG syndrome. Last evaluated: 2020-08-11. Review status: criteria provided, single submitter. Criteria: Invitae Variant Classification Sherloc (09022015). Collection method: clinical testing. Allele origin: germline.
Comment: This variant is present in population databases (rs780011005, ExAC 0.009%). This sequence change creates a premature translational stop signal (p.Arg898*) in the ANKRD11 gene. It is expected to result in an absent or disrupted protein product. This variant has not been reported in the literature in individuals with ANKRD11-related conditions. ClinVar contains an entry for this variant (Variation ID: 620276). For these reasons, this variant has been classified as Pathogenic. Loss-of-function variants in ANKRD11 are known to be pathogenic (PMID: 21782149, 25125236, 25413698, 25652421). Algorithms developed to predict the effect of sequence changes on RNA splicing suggest that this variant may create or strengthen a splice site, but this prediction has not been confirmed by published transcriptional studies.

PreventionGenetics, part of Exact Sciences
Classification: Pathogenic for ANKRD11-related condition. Last evaluated: 2024-04-22. Review status: no assertion criteria provided. Collection method: clinical testing. Allele origin: germline. Not counted in ClinVar's aggregate classification.
Comment: The ANKRD11 c.2692C>T variant is predicted to result in premature protein termination (p.Arg898*). This variant was reported to be de novo in an individual with features consistent with KBG syndrome (Parenti et al. 2021. PubMed ID: 33955014). This variant has not been reported in a large population database, indicating it is rare. Nonsense variants in ANKRD11 are expected to be pathogenic. This variant is interpreted as pathogenic.

Literature cited by the submitters: PubMed 42808190 (cited by Umrani?ye Training and Research Hospital); PubMed 33955014 (cited by 3 submitters); PubMed 21782149 (cited by Labcorp Genetics (formerly Invitae), Labcorp); PubMed 25125236 (cited by Labcorp Genetics (formerly Invitae), Labcorp); PubMed 25413698 (cited by Labcorp Genetics (formerly Invitae), Labcorp); PubMed 25652421 (cited by Labcorp Genetics (formerly Invitae), Labcorp).